The following is an entry in ClinVar:

NM_001017980.4(VMA21):c.112A>G (p.Ile38Val)

Gene: VMA21 (vacuolar ATPase assembly factor VMA21; plus strand). Cytogenetic location: Xq28.
Variant type: single nucleotide variant.
Coding change: c.112A>G on transcript NM_001017980.4 (MANE Select); coding-DNA position 112, A replaced by G.
Protein change: p.Ile38Val; replaces isoleucine 38 with valine.
Molecular consequence: missense variant.
Genome position (GRCh38, 1-based): chrX:151,403,689, A>G. VCF-style: chrX-151403689-A-G. GRCh37 (hg19) VCF-style: chrX-150572161-A-G.
Other names: c.277A>G, p.Ile93Val (NM_001363810.1); short protein forms I38V, I93V.
Identifiers: ClinVar variation 1472351 (VCV001472351.9), dbSNP rs2124125310, ClinGen allele CA415270994.

ClinVar aggregate classification (germline): Uncertain significance (1 of 4 stars; one submission).

Conditions:
X-linked myopathy with excessive autophagy (AVM). Also called: Vacuolar myopathy; Autophagic vacuolar myopathy. Identifiers: Orphanet 25980, MedGen C1839615, MONDO:0010684, OMIM 310440.

Submission:

Labcorp Genetics (formerly Invitae), Labcorp
Classification: Uncertain significance for X-linked myopathy with excessive autophagy. Last evaluated: 2022-03-23. Review status: criteria provided, single submitter. Criteria: Invitae Variant Classification Sherloc (09022015). Collection method: clinical testing. Allele origin: germline.
Comment: In summary, the available evidence is currently insufficient to determine the role of this variant in disease. Therefore, it has been classified as a Variant of Uncertain Significance. Algorithms developed to predict the effect of missense changes on protein structure and function are either unavailable or do not agree on the potential impact of this missense change (SIFT: "Not Available"; PolyPhen-2: "Probably Damaging"; Align-GVGD: "Not Available"). This variant has not been reported in the literature in individuals affected with VMA21-related conditions. This variant is not present in population databases (gnomAD no frequency). This sequence change replaces isoleucine, which is neutral and non-polar, with valine, which is neutral and non-polar, at codon 38 of the VMA21 protein (p.Ile38Val).